The following is an entry in ClinVar:

ClinVar aggregate classification (germline): Uncertain significance. Review status: criteria provided, multiple submitters, no conflicts (2 of 4 stars). 3 submissions from 3 submitters: Uncertain significance (3). Last evaluated 2024-05-23.

Conditions:
Microcephaly, normal intelligence and immunodeficiency (NBS). Also called: IMMUNODEFICIENCY, MICROCEPHALY, AND CHROMOSOMAL INSTABILITY; SEEMANOVA SYNDROME II; Nijmegen breakage syndrome; Microcephaly with normal intelligence immunodeficiency and lymphoreticular malignancies; Nonsyndromal microcephaly autosomal recessive with normal intelligence; Seemanova syndrome 2. Identifiers: Orphanet 647, MedGen C0398791, MONDO:0009623, OMIM 251260.
Hereditary cancer-predisposing syndrome. Also called: Neoplastic Syndromes, Hereditary; Tumor predisposition; Hereditary neoplastic syndrome; Hereditary Cancer Syndrome. Identifiers: Orphanet 140162, MedGen C0027672, MeSH D009386, MONDO:0015356.

Submissions (3):

Revvity Omics, Revvity
Classification: Uncertain significance. Last evaluated: 2024-05-23. Review status: criteria provided, single submitter. Criteria: ACMG Guidelines, 2015. Collection method: clinical testing. Allele origin: germline.

Labcorp Genetics (formerly Invitae), Labcorp
Classification: Uncertain significance for Microcephaly, normal intelligence and immunodeficiency. Last evaluated: 2022-11-25. Review status: criteria provided, single submitter. Criteria: Invitae Variant Classification Sherloc (09022015). Collection method: clinical testing. Allele origin: germline.
Comment: This sequence change replaces serine, which is neutral and polar, with arginine, which is basic and polar, at codon 415 of the NBN protein (p.Ser415Arg). This variant is not present in population databases (gnomAD no frequency). This variant has not been reported in the literature in individuals affected with NBN-related conditions. Algorithms developed to predict the effect of missense changes on protein structure and function (SIFT, PolyPhen-2, Align-GVGD) all suggest that this variant is likely to be tolerated. In summary, the available evidence is currently insufficient to determine the role of this variant in disease. Therefore, it has been classified as a Variant of Uncertain Significance.

Ambry Genetics
Classification: Uncertain significance for Hereditary cancer-predisposing syndrome. Last evaluated: 2021-02-08. Review status: criteria provided, single submitter. Criteria: Ambry Variant Classification Scheme 2023. Collection method: clinical testing. Allele origin: germline.
Comment: The p.S415R variant (also known as c.1243A>C), located in coding exon 10 of the NBN gene, results from an A to C substitution at nucleotide position 1243. The serine at codon 415 is replaced by arginine, an amino acid with dissimilar properties. This amino acid position is poorly conserved in available vertebrate species. In addition, this alteration is predicted to be tolerated by in silico analysis. Since supporting evidence is limited at this time, the clinical significance of this alteration remains unclear.

NM_002485.5(NBN):c.1243A>C (p.Ser415Arg)

Gene: NBN (nibrin; minus strand). Cytogenetic location: 8q21.3.
Variant type: single nucleotide variant.
Coding change: c.1243A>C on transcript NM_002485.5 (MANE Select); coding-DNA position 1243, A replaced by C.
Protein change: p.Ser415Arg; replaces serine 415 with arginine.
Molecular consequence: missense variant.
Genome position (GRCh38, 1-based): chr8:89,955,437, T>G on the plus strand (A>C on the coding strand, the complement: NBN is on the minus strand). VCF-style: chr8-89955437-T-G. GRCh37 (hg19) VCF-style: chr8-90967665-T-G.
Other names: c.997A>C, p.Ser333Arg (NM_001024688.3); short protein forms S333R, S415R.
Identifiers: ClinVar variation 1758790 (VCV001758790.8), dbSNP rs1810663395, ClinGen allele CA371656282.